The following is an entry in ClinVar:

ClinVar aggregate classification (germline): Likely benign (1 of 4 stars; one submission).

Allele frequency attached by ClinVar (database versions not stated): gnomAD 0.00010; ExAC 0.00038; 1000 Genomes Project 0.00060.

Submission:

CeGaT Center for Human Genetics Tuebingen
Classification: Likely benign. Last evaluated: 2022-05-01. Review status: criteria provided, single submitter. Criteria: CeGaT Center For Human Genetics Tuebingen Variant Classification Criteria Version 2. Collection method: clinical testing. Allele origin: germline. Affected: yes. Observed: 1 variant allele.
Comment: WASHC1: BP4, BP7

NM_001378090.1(WASHC1):c.762C>T (p.Pro254=)

Gene: WASHC1 (WASH complex subunit 1; minus strand). Cytogenetic location: 9p24.3.
Variant type: single nucleotide variant.
Coding change: c.762C>T on transcript NM_001378090.1 (MANE Select); coding-DNA position 762, C replaced by T.
Protein change: p.Pro254=; no amino-acid change (proline 254 retained).
Molecular consequence: synonymous variant.
Genome position (GRCh38, 1-based): chr9:17,086, G>A on the plus strand (C>T on the coding strand, the complement: WASHC1 is on the minus strand). VCF-style: chr9-17086-G-A. GRCh37 (hg19) VCF-style: chr9-17086-G-A.
Other names: c.762C>T, p.Pro254= (NM_182905.6).
Identifiers: ClinVar variation 2659008 (VCV002659008.24), dbSNP rs542126496, ClinGen allele CA4955594.